The following is an entry in ClinVar:

NM_005654.6(NR2F1):c.992-26T>G

Gene: NR2F1 (nuclear receptor subfamily 2 group F member 1; plus strand). Cytogenetic location: 5q15.
Variant type: single nucleotide variant.
Coding change: c.992-26T>G on transcript NM_005654.6 (MANE Select); 26 bases into the intron before coding-DNA position 992, T replaced by G.
Molecular consequence: intron variant.
Genome position (GRCh38, 1-based): chr5:93,593,536, T>G. VCF-style: chr5-93593536-T-G. GRCh37 (hg19) VCF-style: chr5-92929242-T-G.
Other names: c.542-26T>G (NM_001410754.1).
Identifiers: ClinVar variation 5002981 (VCV005002981.1).
Genomic context (GRCh38, chr5:93,593,536, plus strand): 5'-TTGATGGCTTATTTTGCCTTTGCTATTTGTCAGCCTAACCGTGTGCTCCCTTTCCCTGTC[T>G]CTCCCTCCTGTGGCTGCTTGGGCAGACGCCTGTGGCCTGTCGGATGCGGCCCACATCGAG-3'

ClinVar aggregate classification (germline): Uncertain significance (1 of 4 stars; one submission).

Conditions:
Bosch-Boonstra-Schaaf optic atrophy syndrome (BBSOAS). Also called: NR2F1-Related Neurodevelopmental Disorder. Identifiers: Orphanet 401777, MedGen C3810363, MONDO:0014320, OMIM 615722.

Submission:

OLLIN Analises Genomicas, OLLIN
Classification: Uncertain significance for Bosch-Boonstra-Schaaf optic atrophy syndrome. Last evaluated: 2026-08-06. Review status: criteria provided, single submitter. Criteria: ACMG Guidelines 2015 PMID 25741868. Collection method: clinical testing. Allele origin: germline. Inheritance: Autosomal dominant inheritance.
Comment: This variant is absent from gnomAD and ClinVar and has not been found in the scientific literature. According to the currently available evidence, this variant has been classified as uncertain significance (PM2_P, PP3).